The following is an entry in ClinVar:

NM_001903.5(CTNNA1):c.2395G>A (p.Glu799Lys)

Gene: CTNNA1 (catenin alpha 1; plus strand). Cytogenetic location: 5q31.2.
Variant type: single nucleotide variant.
Coding change: c.2395G>A on transcript NM_001903.5 (MANE Select); coding-DNA position 2395, G replaced by A.
Protein change: p.Glu799Lys; replaces glutamic acid 799 with lysine.
Molecular consequence: missense variant. On other transcripts: intron variant (1).
Genome position (GRCh38, 1-based): chr5:138,932,674, G>A. VCF-style: chr5-138932674-G-A. GRCh37 (hg19) VCF-style: chr5-138268363-G-A.
Other names: c.2395G>A, p.Glu799Lys (NM_001290307.3, NM_001323982.2, NM_001323983.1 and 2 more transcripts); c.2086G>A, p.Glu696Lys (NM_001290309.3); c.2026G>A, p.Glu676Lys (NM_001290310.3); c.1285G>A, p.Glu429Lys (NM_001290312.1, NM_001323987.1, NM_001323988.1 and 16 more transcripts); c.2302G>A, p.Glu768Lys (NM_001323986.2); c.946G>A, p.Glu316Lys (NM_001324006.1, NM_001324007.1, NM_001324008.1 and 2 more transcripts); c.1192G>A, p.Glu398Lys (NM_001324011.1); c.1042G>A, p.Glu348Lys (NM_001324012.1, NM_001324013.1); and 1 more; short protein forms E348K, E398K, E316K, E676K, E696K, E429K, E768K, E799K.
Identifiers: ClinVar variation 953686 (VCV000953686.13), dbSNP rs1215571495, ClinGen allele CA361134489.

ClinVar aggregate classification (germline): Uncertain significance. Review status: criteria provided, multiple submitters, no conflicts (2 of 4 stars). 2 submissions from 2 submitters: Uncertain significance (2). Last evaluated 2024-07-09.

Conditions:
Hereditary cancer-predisposing syndrome. Also called: Hereditary neoplastic syndrome; Tumor predisposition; Neoplastic Syndromes, Hereditary; Hereditary Cancer Syndrome. Identifiers: Orphanet 140162, MedGen C0027672, MeSH D009386, MONDO:0015356.

Allele frequency attached by ClinVar (database versions not stated): gnomAD exomes below 0.00001; gnomAD 0.00001; TOPMed 0.00002.
gnomAD v4.1: 4 of 1,614,108 alleles (0.00025%); highest among the groups gnomAD compares: African/African-American, 0.0027%; no homozygotes.

Submissions (2):

Labcorp Genetics (formerly Invitae), Labcorp
Classification: Uncertain significance. Last evaluated: 2024-07-09. Review status: criteria provided, single submitter. Criteria: Invitae Variant Classification Sherloc (09022015). Collection method: clinical testing. Allele origin: germline.
Comment: This sequence change replaces glutamic acid, which is acidic and polar, with lysine, which is basic and polar, at codon 799 of the CTNNA1 protein (p.Glu799Lys). This variant is not present in population databases (gnomAD no frequency). This variant has not been reported in the literature in individuals affected with CTNNA1-related conditions. ClinVar contains an entry for this variant (Variation ID: 953686). An algorithm developed to predict the effect of missense changes on protein structure and function (PolyPhen-2) suggests that this variant is likely to be disruptive. In summary, the available evidence is currently insufficient to determine the role of this variant in disease. Therefore, it has been classified as a Variant of Uncertain Significance.

Ambry Genetics
Classification: Uncertain significance for Hereditary cancer-predisposing syndrome. Last evaluated: 2024-07-01. Review status: criteria provided, single submitter. Criteria: Ambry Variant Classification Scheme 2023. Collection method: clinical testing. Allele origin: germline.
Comment: The p.E799K variant (also known as c.2395G>A), located in coding exon 16 of the CTNNA1 gene, results from a G to A substitution at nucleotide position 2395. The glutamic acid at codon 799 is replaced by lysine, an amino acid with similar properties. This amino acid position is conserved. In addition, this alteration is predicted to be tolerated by in silico analysis. The evidence for this gene-disease relationship is limited; therefore, the clinical significance of this alteration is unclear.